The following is an entry in ClinVar:

ClinVar aggregate classification (germline): Conflicting classifications of pathogenicity. Review status: criteria provided, conflicting classifications (1 of 4 stars). 2 submissions from 2 submitters: Likely pathogenic (1); Uncertain significance (1). Last evaluated 2025-01-13.

Conditions:
Polycystic kidney disease, adult type (PKD1). Also called: Polycystic Kidney, Autosomal Dominant; POLYCYSTIC KIDNEY DISEASE, ADULT, TYPE I; Polycystic Kidney Disease 1, Autosomal Dominant; Polycystic kidney disease 1; Polycystic kidney disease 1, severe; POLYCYSTIC KIDNEY DISEASE 1 WITH OR WITHOUT POLYCYSTIC LIVER DISEASE. Identifiers: MedGen C3149841, MONDO:0008263, OMIM 173900.

Submissions (2):

GeneDx
Classification: Uncertain significance. Last evaluated: 2025-01-13. Review status: criteria provided, single submitter. Criteria: GeneDx Variant Classification Process June 2021. Collection method: clinical testing. Allele origin: germline. Affected: yes.
Comment: Not observed at significant frequency in large population cohorts (gnomAD); In silico analysis supports that this missense variant has a deleterious effect on protein structure/function; This variant is associated with the following publications: (PMID: 23431072, NaLi_2020, LiangWang_2023, 22508176)

MVZ Martinsried, Medicover Genetics
Classification: Likely pathogenic for Polycystic kidney disease, adult type. Last evaluated: 2021-09-15. Review status: criteria provided, single submitter. Criteria: ACGS Guidelines, 2020. Collection method: clinical testing. Allele origin: unknown. Affected: yes.

NM_001009944.3(PKD1):c.4379T>G (p.Val1460Gly)

Gene: PKD1 (polycystin 1, transient receptor potential channel interacting; minus strand). Cytogenetic location: 16p13.3.
Variant type: single nucleotide variant.
Coding change: c.4379T>G on transcript NM_001009944.3 (MANE Select); coding-DNA position 4379, T replaced by G.
Protein change: p.Val1460Gly; replaces valine 1460 with glycine.
Molecular consequence: missense variant.
Genome position (GRCh38, 1-based): chr16:2,110,788, A>C on the plus strand (T>G on the coding strand, the complement: PKD1 is on the minus strand). VCF-style: chr16-2110788-A-C. GRCh37 (hg19) VCF-style: chr16-2160789-A-C.
Other names: c.4379T>G, p.Val1460Gly (NM_000296.4); c.4379T>G (NM_001009944.2); short protein forms V1460G.
Identifiers: ClinVar variation 1330259 (VCV001330259.2), dbSNP rs2151797664, ClinGen allele CA394380528.
Genomic context (GRCh38, chr16:2,110,788, plus strand): 5'-TCCAGCCCAAGGGAGCCATTGACCTTGATGCTGGTGACCAGCACGGGCTCCTGCACCTCC[A>C]CCAGGGCTGAGTCATTGGCAGCAGAGATGTTGTTGGACGCGGTGACTGTCACAAGATAGG-3'
Protein context (NP_001009944.3, residues 1450-1470): NISAANDSAL[Val1460Gly]EVQEPVLVTS